The following is an entry in ClinVar:

ClinVar aggregate classification (germline): Pathogenic (1 of 4 stars; one submission).

Conditions:
Baller-Gerold syndrome (BGS). Also called: CRANIOSYNOSTOSIS WITH RADIAL DEFECTS. Identifiers: Orphanet 1225, MedGen C0265308, MONDO:0009039, OMIM 218600.

gnomAD v4.1: 8 of 1,608,674 alleles (0.0005%); highest among the groups gnomAD compares: Non-Finnish European, 0.00068%; no homozygotes.

Submission:

Labcorp Genetics (formerly Invitae), Labcorp
Classification: Pathogenic for Baller-Gerold syndrome. Last evaluated: 2025-05-05. Review status: criteria provided, single submitter. Criteria: Invitae Variant Classification Sherloc (09022015). Collection method: clinical testing. Allele origin: germline.
Comment: This sequence change creates a premature translational stop signal (p.Ser214*) in the RECQL4 gene. It is expected to result in an absent or disrupted protein product. Loss-of-function variants in RECQL4 are known to be pathogenic (PMID: 12734318, 12952869). This variant is not present in population databases (gnomAD no frequency). This variant has not been reported in the literature in individuals affected with RECQL4-related conditions. ClinVar contains an entry for this variant (Variation ID: 571451). For these reasons, this variant has been classified as Pathogenic.

Literature cited by the submitters: PubMed 12734318; PubMed 12952869.

NM_004260.4(RECQL4):c.641C>A (p.Ser214Ter)

Gene: RECQL4 (RecQ like helicase 4; minus strand). Cytogenetic location: 8q24.3.
Variant type: single nucleotide variant.
Coding change: c.641C>A on transcript NM_004260.4 (MANE Select); coding-DNA position 641, C replaced by A.
Protein change: p.Ser214Ter; replaces serine 214 with a stop codon.
Molecular consequence: nonsense.
Genome position (GRCh38, 1-based): chr8:144,516,478, G>T on the plus strand (C>A on the coding strand, the complement: RECQL4 is on the minus strand). VCF-style: chr8-144516478-G-T. GRCh37 (hg19) VCF-style: chr8-145741862-G-T.
Other names: short protein forms S214*.
Identifiers: ClinVar variation 571451 (VCV000571451.6), dbSNP rs1317950691, ClinGen allele CA372689955.